The following is an entry in ClinVar:

NM_000092.5(COL4A4):c.1171G>A (p.Gly391Ser)

Gene: COL4A4 (collagen type IV alpha 4 chain; minus strand). Cytogenetic location: 2q36.3.
Variant type: single nucleotide variant.
Coding change: c.1171G>A on transcript NM_000092.5 (MANE Select); coding-DNA position 1171, G replaced by A.
Protein change: p.Gly391Ser; replaces glycine 391 with serine.
Molecular consequence: missense variant.
Genome position (GRCh38, 1-based): chr2:227,098,727, C>T on the plus strand (G>A on the coding strand, the complement: COL4A4 is on the minus strand). VCF-style: chr2-227098727-C-T. GRCh37 (hg19) VCF-style: chr2-227963443-C-T.
Other names: short protein forms G391S.
Identifiers: ClinVar variation 4817287 (VCV004817287.1).

ClinVar aggregate classification (germline): Likely pathogenic (1 of 4 stars; one submission).

Conditions:
Alport syndrome. Also called: Hemorrhagic familial nephritis; Hemorrhagic hereditary nephritis; Congenital hereditary hematuria. Identifiers: Orphanet 63, MedGen C1567741, MONDO:0018965.

Submission:

Natera, Inc.
Classification: Likely pathogenic for Alport syndrome. Last evaluated: 2025-09-04. Review status: criteria provided, single submitter. Criteria: Natera Variant Classification Schema (03/2026). Collection method: clinical testing. Allele origin: germline.
Comment: The c.1171G>A variant in COL4A4 is a missense variant predicted to cause substitution of glycine to serine at amino acid 391. This variant is rare in the general population with a frequency below the threshold expected for the associated phenotype(s). This variant is located in a functionally critical region of the protein. Computational prediction algorithms indicate this variant is likely to affect gene or protein function. Given the available evidence, this variant is classified as Likely Pathogenic.